The following is an entry in ClinVar:

NM_014249.3(NR2E3):c.-210C>T

Gene: NR2E3 (nuclear receptor subfamily 2 group E member 3; plus strand). Cytogenetic location: 15q23.
Variant type: single nucleotide variant.
Coding change: c.-210C>T on transcript NM_014249.3; 210 bases upstream of the start codon, C replaced by T.
Genome position (GRCh38, 1-based): chr15:71,810,534, C>T. VCF-style: chr15-71810534-C-T. GRCh37 (hg19) VCF-style: chr15-72102874-C-T.
Identifiers: ClinVar variation 888357 (VCV000888357.7), dbSNP rs528679282, ClinGen allele CA272574371.

ClinVar aggregate classification (germline): Likely benign. Review status: criteria provided, multiple submitters, no conflicts (2 of 4 stars). 3 submissions from 2 submitters: Likely benign (3). Last evaluated 2018-01-13.

Conditions:
Enhanced S-cone syndrome (ESCS). Identifiers: Orphanet 53540, MedGen C1849394, MONDO:0100288, MONDO:0009989.
Retinitis pigmentosa (RP). Identifiers: Orphanet 791, MedGen C0035334, MeSH D012174, MONDO:0019200, OMIM 268000. Inheritance: Autosomal dominant, autosomal recessive and X linked inheritance.

Allele frequency attached by ClinVar (database versions not stated): gnomAD exomes 0.00091; 1000 Genomes Project 30x 0.00172; gnomAD 0.00070 and 0.00047; TOPMed 0.00065; 1000 Genomes Project 0.00240.

Submissions (3):

Illumina Laboratory Services, Illumina
Classification: Likely benign for ENHANCED S-CONE SYNDROME 1. Last evaluated: 2018-01-13. Review status: criteria provided, single submitter. Criteria: ICSL Variant Classification Criteria 13 December 2019. Collection method: clinical testing. Allele origin: germline.
Comment: This variant was observed in the ICSL laboratory as part of a predisposition screen in an ostensibly healthy population. It had not been previously curated by ICSL or reported in the Human Gene Mutation Database (HGMD: prior to June 1st, 2018), and was therefore a candidate for classification through an automated scoring system. Utilizing variant allele frequency, disease prevalence and penetrance estimates, and inheritance mode, an automated score was calculated to assess if this variant is too frequent to cause the disease. Based on the score and internal cut-off values, a variant classified as likely benign is not then subjected to further curation. The score for this variant resulted in a classification of likely benign for this disease.

Illumina Laboratory Services, Illumina
Classification: Likely benign for Retinitis pigmentosa. Last evaluated: 2018-01-13. Review status: criteria provided, single submitter. Criteria: ICSL Variant Classification Criteria 13 December 2019. Collection method: clinical testing. Allele origin: germline.
Comment: the same text as in the submission from Illumina Laboratory Services, Illumina above.

Breakthrough Genomics
Classification: Likely benign. Review status: criteria provided, single submitter. Criteria: ACMG Guidelines, 2015. Collection method: not provided. Allele origin: germline. Inheritance: Autosomal recessive inheritance. Affected: yes.